The following is an entry in ClinVar:

NM_014363.6(SACS):c.4232T>G (p.Leu1411Ter)

Gene: SACS (sacsin molecular chaperone; minus strand). Cytogenetic location: 13q12.12.
Variant type: single nucleotide variant.
Coding change: c.4232T>G on transcript NM_014363.6 (MANE Select); coding-DNA position 4232, T replaced by G.
Protein change: p.Leu1411Ter; replaces leucine 1411 with a stop codon.
Molecular consequence: nonsense.
Genome position (GRCh38, 1-based): chr13:23,339,644, A>C on the plus strand (T>G on the coding strand, the complement: SACS is on the minus strand). VCF-style: chr13-23339644-A-C. GRCh37 (hg19) VCF-style: chr13-23913783-A-C.
Other names: c.3791T>G, p.Leu1264Ter (NM_001278055.2); short protein forms L1411*, L1264*.
Identifiers: ClinVar variation 450250 (VCV000450250.21), dbSNP rs867249938, ClinGen allele CA387531824.

ClinVar aggregate classification (germline): Pathogenic/Likely pathogenic. Review status: criteria provided, multiple submitters, no conflicts (2 of 4 stars). 9 submissions from 9 submitters: Pathogenic (4); Likely pathogenic (3). 2 of the submissions do not count toward it. Last evaluated 2024-05-09.

Conditions:
SACS-related disorder. Also called: SACS-related condition.
Hereditary ataxia. Also called: Hereditary Ataxias. Identifiers: Orphanet 183518, MedGen C0004138, MONDO:0100309, MONDO:0000557.
Spastic paraplegia. Identifiers: MedGen C0037772, HP:0001258.
Charlevoix-Saguenay spastic ataxia (SACS). Also called: Spastic ataxia of Charlevoix-Saguenay; AUTOSOMAL RECESSIVE SPASTIC ATAXIA OF CHARLEVOIX-SAGUENAY; SPASTIC ATAXIA 6, AUTOSOMAL RECESSIVE. Identifiers: Orphanet 98, MedGen C1849140, MONDO:0010041, OMIM 270550.

Allele frequency attached by ClinVar (database versions not stated): gnomAD exomes 0.00001; TOPMed 0.00001.
gnomAD v4.1: 15 of 1,612,744 alleles (0.00093%); highest among the groups gnomAD compares: Non-Finnish European, 0.0013%; no homozygotes.

Submissions (9):

Natera, Inc.
Classification: Likely pathogenic for Charlevoix-Saguenay type spastic ataxia. Last evaluated: 2024-05-09. Review status: criteria provided, single submitter. Criteria: Natera Variant Classification Schema (03/2026). Collection method: clinical testing. Allele origin: germline.
Comment: The c.4232T>G variant in SACS is a nonsense variant predicted to introduce a stop codon at amino acid 1411. This variant is expected to result in nonsense mediated decay, truncation, or a dysfunctional protein product. This variant is rare in the general population with a frequency below the threshold expected for the associated phenotype(s). This variant has been observed in one or more individuals affected with the associated recessive disease, as either homozygous or compound heterozygous with a second variant (PMID: 32606552). Given the available evidence, this variant is classified as Likely Pathogenic.

Fulgent Genetics
Classification: Likely pathogenic for Charlevoix-Saguenay spastic ataxia. Last evaluated: 2024-04-11. Review status: criteria provided, single submitter. Criteria: ACMG Guidelines, 2015. Collection method: clinical testing. Allele origin: germline.

Baylor Genetics
Classification: Pathogenic for Charlevoix-Saguenay spastic ataxia. Last evaluated: 2024-02-19. Review status: criteria provided, single submitter. Criteria: ACMG Guidelines, 2015. Collection method: clinical testing. Allele origin: unknown.

Labcorp Genetics (formerly Invitae), Labcorp
Classification: Pathogenic for Spastic paraplegia. Last evaluated: 2024-02-05. Review status: criteria provided, single submitter. Criteria: Invitae Variant Classification Sherloc (09022015). Collection method: clinical testing. Allele origin: germline.
Comment: This sequence change creates a premature translational stop signal (p.Leu1411*) in the SACS gene. While this is not anticipated to result in nonsense mediated decay, it is expected to disrupt the last 3169 amino acid(s) of the SACS protein. This variant is not present in population databases (gnomAD no frequency). This premature translational stop signal has been observed in individual(s) with autosomal recessive spastic ataxia of Charlevoix-Saguenay (PMID: 32606552). ClinVar contains an entry for this variant (Variation ID: 450250). This variant disrupts a region of the SACS protein in which other variant(s) (p.Arg3903*) have been determined to be pathogenic (PMID: 19892370, 21745802). This suggests that this is a clinically significant region of the protein, and that variants that disrupt it are likely to be disease-causing. For these reasons, this variant has been classified as Pathogenic.

GeneDx
Classification: Pathogenic. Last evaluated: 2022-05-27. Review status: criteria provided, single submitter. Criteria: GeneDx Variant Classification Process June 2021. Collection method: clinical testing. Allele origin: germline. Affected: yes.
Comment: Nonsense variant predicted to result in protein truncation in a gene for which loss of function is a known mechanism of disease; Not observed at significant frequency in large population cohorts (gnomAD); This variant is associated with the following publications: (PMID: 27533158, 23250129, 32606552)

Genome-Nilou Lab
Classification: Pathogenic for Charlevoix-Saguenay spastic ataxia. Last evaluated: 2021-09-05. Review status: criteria provided, single submitter. Criteria: ACMG Guidelines, 2015. Collection method: clinical testing. Allele origin: germline. Affected: no.

Cambridge Genomics Laboratory, East Genomic Laboratory Hub, NHS Genomic Medicine Service
Classification: Likely pathogenic for Hereditary ataxia. Last evaluated: 2020-01-21. Review status: criteria provided, single submitter. Criteria: ACGS Best Practice Guidelines for Variant Classification in Rare Disease 2020. Collection method: clinical testing. Allele origin: germline. Affected: yes. Observed: 1 variant allele.

PreventionGenetics, part of Exact Sciences
Classification: Pathogenic for SACS-related condition. Last evaluated: 2024-07-17. Review status: no assertion criteria provided. Collection method: clinical testing. Allele origin: germline. Not counted in ClinVar's aggregate classification.
Comment: The SACS c.4232T>G variant is predicted to result in premature protein termination (p.Leu1411*). This variant was reported in the compound heterozygous state an individual with Charlevoix-Saguenay type Spastic ataxia (ARSACS; Agarwal et al 2020. PubMed ID: 32606552). This variant has not been reported in a large population database, indicating this variant is rare. Nonsense variants in SACS are expected to be pathogenic. This variant is interpreted as pathogenic.

Counsyl
Classification: Likely pathogenic for Charlevoix-Saguenay spastic ataxia. Last evaluated: 2019-01-24. Review status: no assertion criteria provided. Collection method: clinical testing. Allele origin: unknown. Not counted in ClinVar's aggregate classification.

Literature cited by the submitters: PubMed 32606552 (cited by Natera, Inc. and Labcorp Genetics (formerly Invitae), Labcorp); PubMed 19892370 (cited by Labcorp Genetics (formerly Invitae), Labcorp); PubMed 21745802 (cited by Labcorp Genetics (formerly Invitae), Labcorp).